The following is an entry in ClinVar:

NM_000432.4(MYL2):c.133G>C (p.Asp45His)

Gene: MYL2 (myosin light chain 2; minus strand). Cytogenetic location: 12q24.11.
Variant type: single nucleotide variant.
Coding change: c.133G>C on transcript NM_000432.4 (MANE Select); coding-DNA position 133, G replaced by C.
Protein change: p.Asp45His; replaces aspartic acid 45 with histidine.
Molecular consequence: missense variant. On other transcripts: intron variant (1).
Genome position (GRCh38, 1-based): chr12:110,915,751, C>G on the plus strand (G>C on the coding strand, the complement: MYL2 is on the minus strand). VCF-style: chr12-110915751-C-G. GRCh37 (hg19) VCF-style: chr12-111353555-C-G.
Other names: c.76G>C, p.Asp26His (NM_001406916.1); c.94-1427G>C (NM_001406745.1); short protein forms D26H, D45H.
Identifiers: ClinVar variation 3075100 (VCV003075100.4), dbSNP rs1363460648, ClinGen allele CA386699348.

ClinVar aggregate classification (germline): Uncertain significance. Review status: criteria provided, multiple submitters, no conflicts (2 of 4 stars). 2 submissions from 2 submitters: Uncertain significance (2). Last evaluated 2025-12-08.

Conditions:
Hypertrophic cardiomyopathy. Also called: HYPERTROPHIC MYOCARDIOPATHY. Identifiers: Orphanet 217569, MedGen C0007194, MeSH D002312, MONDO:0005045, HP:0001639.
Hypertrophic cardiomyopathy 10. Also called: CARDIOMYOPATHY, HYPERTROPHIC, MID-LEFT VENTRICULAR CHAMBER TYPE, 2; MYL2-Related Familial Hypertrophic Cardiomyopathy. Identifiers: MedGen C1834460, MONDO:0012112, OMIM 608758.

Allele frequency attached by ClinVar (database versions not stated): gnomAD exomes 0.00001.
gnomAD v4.1: 7 of 1,614,168 alleles (0.00043%); highest among the groups gnomAD compares: Non-Finnish European, 0.00059%; no homozygotes.

Submissions (2):

Labcorp Genetics (formerly Invitae), Labcorp
Classification: Uncertain significance for Hypertrophic cardiomyopathy 10. Last evaluated: 2025-12-08. Review status: criteria provided, single submitter. Criteria: Invitae Variant Classification Sherloc (09022015). Collection method: clinical testing. Allele origin: germline.
Comment: This sequence change replaces aspartic acid, which is acidic and polar, with histidine, which is basic and polar, at codon 45 of the MYL2 protein (p.Asp45His). This variant is not present in population databases (gnomAD no frequency). This variant has not been reported in the literature in individuals affected with MYL2-related conditions. ClinVar contains an entry for this variant (Variation ID: 3075100). An algorithm developed to predict the effect of missense changes on protein structure and function (PolyPhen-2) suggests that this variant is likely to be disruptive. In summary, the available evidence is currently insufficient to determine the role of this variant in disease. Therefore, it has been classified as a Variant of Uncertain Significance.

All of Us Research Program, National Institutes of Health
Classification: Uncertain significance for Hypertrophic cardiomyopathy. Last evaluated: 2024-09-23. Review status: criteria provided, single submitter. Criteria: ACMG Guidelines, 2015. Collection method: clinical testing. Allele origin: germline. Inheritance: Autosomal dominant inheritance. Observed: 2 variant alleles, 2 heterozygotes.
Comment: This missense variant replaces aspartic acid with histidine at codon 45 of the MYL2 protein. Computational prediction is inconclusive regarding the impact of this variant on protein structure and function (internally defined REVEL score threshold 0.5 < inconclusive < 0.7, PMID: 27666373). To our knowledge, functional studies have not been reported for this variant. This variant has not been reported in individuals affected with MYL2-related disorders in the literature. This variant has not been identified in the general population by the Genome Aggregation Database (gnomAD). The available evidence is insufficient to determine the role of this variant in disease conclusively. Therefore, this variant is classified as a Variant of Uncertain Significance.

This study involves interpretation of variants in research participants for the purpose of population health screening. Participant phenotype was not available at the time of variant classification. Additional details can be found in publication PMID: 35346344, PMCID: PMC8962531